The following is an entry in ClinVar:

NM_002294.3(LAMP2):c.138G>A (p.Trp46Ter)

Gene: LAMP2 (lysosome associated membrane protein 2; minus strand). Cytogenetic location: Xq24.
Variant type: single nucleotide variant.
Coding change: c.138G>A on transcript NM_002294.3 (MANE Select); coding-DNA position 138, G replaced by A.
Protein change: p.Trp46Ter; replaces tryptophan 46 with a stop codon.
Molecular consequence: nonsense.
Genome position (GRCh38, 1-based): chrX:120,456,696, C>T on the plus strand (G>A on the coding strand, the complement: LAMP2 is on the minus strand). VCF-style: chrX-120456696-C-T. GRCh37 (hg19) VCF-style: chrX-119590551-C-T.
Other names: c.138G>A, p.Trp46Ter (NM_001122606.1, NM_013995.2); short protein forms W46*.
Identifiers: ClinVar variation 560927 (VCV000560927.4), dbSNP rs1271031981, ClinGen allele CA414403655.

ClinVar aggregate classification (germline): Pathogenic (1 of 4 stars; one submission).

Conditions:
Danon disease. Also called: ANTOPOL DISEASE; Glycogen Storage Disease Type IIb; PSEUDOGLYCOGENOSIS II; GSD IIb; LYSOSOMAL GLYCOGEN STORAGE DISEASE WITHOUT ACID MALTASE DEFICIENCY. Identifiers: Orphanet 34587, MedGen C0878677, MONDO:0010281, OMIM 300257.

Submission:

Baylor Genetics
Classification: Pathogenic for Danon disease. Last evaluated: 2017-09-01. Review status: criteria provided, single submitter. Criteria: ACMG Guidelines, 2015. Collection method: clinical testing. Allele origin: de novo. Inheritance: X-linked inheritance. Affected: yes.

Literature cited by the submitters: PubMed 15889279; PubMed 25326635.